The following is an entry in ClinVar:

NM_024757.5(EHMT1):c.642+1G>A

Gene: EHMT1 (euchromatic histone lysine methyltransferase 1; plus strand). Cytogenetic location: 9q34.3.
Variant type: single nucleotide variant.
Coding change: c.642+1G>A on transcript NM_024757.5 (MANE Select); the canonical splice donor site of the intron after coding-DNA position 642, G replaced by A.
Molecular consequence: splice donor variant.
Genome position (GRCh38, 1-based): chr9:137,717,183, G>A. VCF-style: chr9-137717183-G-A. GRCh37 (hg19) VCF-style: chr9-140611635-G-A.
Other names: c.642+1G>A (NM_001354263.2, NM_001145527.2, NM_001354611.2); c.549+1G>A (NM_001354259.2, NM_001354612.2).
Identifiers: ClinVar variation 4976683 (VCV004976683.1).

ClinVar aggregate classification (germline): Pathogenic (1 of 4 stars; one submission).

Submission:

GeneDx
Classification: Pathogenic. Last evaluated: 2026-03-19. Review status: criteria provided, single submitter. Criteria: GeneDx Variant Classification Process June 2021. Collection method: clinical testing. Allele origin: germline.
Comment: De novo variant with confirmed parentage in a patient in published literature from a cohort of individuals with developmental disorders; however, detailed clinical information was not provided (PMID: 33057194); Canonical splice site variant predicted to result in a null allele in a gene for which loss of function is a known mechanism of disease; Not observed at significant frequency in large population cohorts (gnomAD); This variant is associated with the following publications: (PMID: 35982159, 33057194)